The following is an entry in ClinVar:

ClinVar aggregate classification (germline): Uncertain significance. Review status: criteria provided, multiple submitters, no conflicts (2 of 4 stars). 5 submissions from 5 submitters: Uncertain significance (4). 1 of the submissions does not count toward it. Last evaluated 2026-01-19.

Conditions:
POLD1-related polyposis and colorectal cancer syndrome (CRCS10). Also called: Colorectal cancer 10; COLORECTAL CANCER, SUSCEPTIBILITY TO, ON CHROMOSOME 19q; Colorectal cancer, susceptibility to, 10. Identifiers: Orphanet 220460, MedGen C2675481, MONDO:0012953, OMIM 612591.
POLD1-related disorder. Also called: POLD1-related condition; POLD1-related disorders.
Hereditary cancer-predisposing syndrome. Also called: Neoplastic Syndromes, Hereditary; Hereditary neoplastic syndrome; Tumor predisposition; Hereditary Cancer Syndrome. Identifiers: Orphanet 140162, MedGen C0027672, MeSH D009386, MONDO:0015356.

Allele frequency attached by ClinVar (database versions not stated): ExAC below 0.00001; gnomAD exomes 0.00001; gnomAD 0.00002; TOPMed 0.00002.
gnomAD v4.1: 18 of 1,564,700 alleles (0.0012%); highest among the groups gnomAD compares: African/African-American, 0.0041%; no homozygotes.

Submissions (5):

Labcorp Genetics (formerly Invitae), Labcorp
Classification: Uncertain significance for POLD1-related polyposis and colorectal cancer syndrome. Last evaluated: 2026-01-19. Review status: criteria provided, single submitter. Criteria: Invitae Variant Classification Sherloc (09022015). Collection method: clinical testing. Allele origin: germline.
Comment: This sequence change replaces arginine, which is basic and polar, with cysteine, which is neutral and slightly polar, at codon 343 of the POLD1 protein (p.Arg343Cys). The frequency data for this variant in the population databases is considered unreliable, as metrics indicate poor data quality at this position in the gnomAD database. This variant has not been reported in the literature in individuals affected with POLD1-related conditions. ClinVar contains an entry for this variant (Variation ID: 469169). Invitae Evidence Modeling of protein sequence and biophysical properties (such as structural, functional, and spatial information, amino acid conservation, physicochemical variation, residue mobility, and thermodynamic stability) indicates that this missense variant is not expected to disrupt POLD1 protein function with a negative predictive value of 80%. In summary, the available evidence is currently insufficient to determine the role of this variant in disease. Therefore, it has been classified as a Variant of Uncertain Significance.

Ambry Genetics
Classification: Uncertain significance for Hereditary cancer-predisposing syndrome. Last evaluated: 2025-10-23. Review status: criteria provided, single submitter. Criteria: Ambry Variant Classification Scheme 2023. Collection method: clinical testing. Allele origin: germline.
Comment: The p.R343C variant (also known as c.1027C>T), located in coding exon 8 of the POLD1 gene, results from a C to T substitution at nucleotide position 1027. The arginine at codon 343 is replaced by cysteine, an amino acid with highly dissimilar properties. This amino acid position is highly conserved in available vertebrate species. In addition, the in silico prediction for this alteration is inconclusive. Since supporting evidence is limited at this time, the clinical significance of this alteration remains unclear.

GeneDx
Classification: Uncertain significance. Last evaluated: 2024-09-25. Review status: criteria provided, single submitter. Criteria: GeneDx Variant Classification Process June 2021. Collection method: clinical testing. Allele origin: germline. Affected: yes.
Comment: Not observed at significant frequency in large population cohorts (gnomAD); In silico analysis supports that this missense variant has a deleterious effect on protein structure/function; Observed de novo in a patient with a developmental disorder (PMID: 33057194); This variant is associated with the following publications: (PMID: 20951805, 33057194)

Baylor Genetics
Classification: Uncertain significance for POLD1-related polyposis and colorectal cancer syndrome. Last evaluated: 2024-02-23. Review status: criteria provided, single submitter. Criteria: ACMG Guidelines, 2015. Collection method: clinical testing. Allele origin: unknown.

PreventionGenetics, part of Exact Sciences
Classification: Uncertain significance for POLD1-related condition. Last evaluated: 2023-12-04. Review status: no assertion criteria provided. Collection method: clinical testing. Allele origin: germline. Not counted in ClinVar's aggregate classification.
Comment: The POLD1 c.1027C>T variant is predicted to result in the amino acid substitution p.Arg343Cys. To our knowledge, this variant has not been reported in the literature. This variant is reported in 0.0053% of alleles in individuals of African descent in gnomAD. At this time, the clinical significance of this variant is uncertain due to the absence of conclusive functional and genetic evidence.

NM_002691.4(POLD1):c.1027C>T (p.Arg343Cys)

Gene: POLD1 (DNA polymerase delta 1, catalytic subunit; plus strand). Cytogenetic location: 19q13.33.
Variant type: single nucleotide variant.
Coding change: c.1027C>T on transcript NM_002691.4 (MANE Select); coding-DNA position 1027, C replaced by T.
Protein change: p.Arg343Cys; replaces arginine 343 with cysteine.
Molecular consequence: missense variant. On other transcripts: non-coding transcript variant (1).
Genome position (GRCh38, 1-based): chr19:50,403,109, C>T. VCF-style: chr19-50403109-C-T. GRCh37 (hg19) VCF-style: chr19-50906366-C-T.
Other names: c.1027C>T, p.Arg343Cys (NM_001256849.1, NM_001308632.1); short protein forms R343C.
Identifiers: ClinVar variation 469169 (VCV000469169.20), dbSNP rs762494977, ClinGen allele CA9596004.